The following is an entry in ClinVar:

NM_000264.5(PTCH1):c.143A>T (p.Asp48Val)

Genes: PTCH1 (patched 1; minus strand), LOC130002133 (ATAC-STARR-seq lymphoblastoid silent region 20071; plus strand). Cytogenetic location: 9q22.32.
Variant type: single nucleotide variant.
Coding change: c.143A>T on transcript NM_000264.5 (MANE Select); coding-DNA position 143, A replaced by T.
Protein change: p.Asp48Val; replaces aspartic acid 48 with valine.
Molecular consequence: missense variant. On other transcripts: non-coding transcript variant (1), intron variant (3).
Genome position (GRCh38, 1-based): chr9:95,508,219, T>A on the plus strand (A>T on the coding strand, the complement: PTCH1 is on the minus strand). VCF-style: chr9-95508219-T-A. GRCh37 (hg19) VCF-style: chr9-98270501-T-A.
Other names: c.143A>T, p.Asp48Val (NM_001354918.2); c.199-1620A>T (NM_001083603.3); c.4-1620A>T (NM_001083602.3, NM_001354919.2); short protein forms D48V.
Identifiers: ClinVar variation 3311145 (VCV003311145.1).

ClinVar aggregate classification (germline): Uncertain significance (1 of 4 stars; one submission).

Conditions:
Hereditary cancer-predisposing syndrome. Also called: Neoplastic Syndromes, Hereditary; Tumor predisposition; Hereditary neoplastic syndrome; Hereditary Cancer Syndrome. Identifiers: Orphanet 140162, MedGen C0027672, MeSH D009386, MONDO:0015356.

Submission:

Ambry Genetics
Classification: Uncertain significance for Hereditary cancer-predisposing syndrome. Last evaluated: 2024-03-30. Review status: criteria provided, single submitter. Criteria: Ambry Variant Classification Scheme 2023. Collection method: clinical testing. Allele origin: germline.
Comment: The p.D48V variant (also known as c.143A>T), located in coding exon 1 of the PTCH1 gene, results from an A to T substitution at nucleotide position 143. The aspartic acid at codon 48 is replaced by valine, an amino acid with highly dissimilar properties. This amino acid position is conserved. In addition, the in silico prediction for this alteration is inconclusive. Based on the available evidence, the clinical significance of this alteration remains unclear.